The following is an entry in ClinVar:

ClinVar aggregate classification (germline): Uncertain significance. Review status: criteria provided, multiple submitters, no conflicts (2 of 4 stars). 4 submissions from 4 submitters: Uncertain significance (4). Last evaluated 2024-11-04.

Conditions:
BAP1-related tumor predisposition syndrome (TPDS1). Also called: Tumor susceptibility linked to germline BAP1 mutations; BAP1 tumor predisposition syndrome; TUMOR PREDISPOSITION SYNDROME 1; COMMON Syndrome. Identifiers: Orphanet 289539, MedGen C3280492, MONDO:0013692, OMIM 614327.
Hereditary cancer-predisposing syndrome. Also called: Neoplastic Syndromes, Hereditary; Tumor predisposition; Hereditary neoplastic syndrome; Hereditary Cancer Syndrome. Identifiers: Orphanet 140162, MedGen C0027672, MeSH D009386, MONDO:0015356.

Submissions (4):

Color Diagnostics, LLC DBA Color Health
Classification: Uncertain significance for Hereditary cancer-predisposing syndrome. Last evaluated: 2024-11-04. Review status: criteria provided, single submitter. Criteria: ACMG Guidelines, 2015. Collection method: clinical testing. Allele origin: germline.
Comment: This missense variant replaces glycine with serine at codon 23 of the BAP1 protein. Computational prediction suggests that this variant may have deleterious impact on protein structure and function (internally defined REVEL score threshold >= 0.7, PMID: 27666373). To our knowledge, functional studies have not been reported for this variant. This variant has not been reported in individuals affected with BAP1-related disorders in the literature. This variant has not been identified in the general population by the Genome Aggregation Database (gnomAD). The available evidence is insufficient to determine the role of this variant in disease conclusively. Therefore, this variant is classified as a Variant of Uncertain Significance.

Baylor Genetics
Classification: Uncertain significance for BAP1-related tumor predisposition syndrome. Last evaluated: 2023-06-29. Review status: criteria provided, single submitter. Criteria: ACMG Guidelines, 2015. Collection method: clinical testing. Allele origin: unknown.

Ambry Genetics
Classification: Uncertain significance for Hereditary cancer-predisposing syndrome. Last evaluated: 2023-05-11. Review status: criteria provided, single submitter. Criteria: Ambry Variant Classification Scheme 2023. Collection method: clinical testing. Allele origin: germline.
Comment: The p.G23S variant (also known as c.67G>A), located in coding exon 2 of the BAP1 gene, results from a G to A substitution at nucleotide position 67. The amino acid change results in glycine to serine at codon 23, an amino acid with similar properties. However, this change occurs in the last base pair of coding exon 2, which makes it likely to have some effect on normal mRNA splicing. This nucleotide position is highly conserved in available vertebrate species. This amino acid position is highly conserved in available vertebrate species. In silico splice site analysis predicts that this alteration will not have any significant effect on splicing. In addition, as a missense substitution this is predicted to be inconclusive by in silico analysis. Since supporting evidence is limited at this time, the clinical significance of this alteration remains unclear.

GeneDx
Classification: Uncertain significance. Last evaluated: 2019-08-30. Review status: criteria provided, single submitter. Criteria: GeneDx Variant Classification Process June 2021. Collection method: clinical testing. Allele origin: germline. Affected: yes.
Comment: Not observed in large population cohorts (Lek 2016); In silico analysis, which includes protein predictors and evolutionary conservation, supports a deleterious effect; Has not been previously published as pathogenic or benign to our knowledge

NM_004656.4(BAP1):c.67G>A (p.Gly23Ser)

Gene: BAP1 (BRCA1 associated deubiquitinase 1; minus strand). Cytogenetic location: 3p21.1.
Variant type: single nucleotide variant.
Coding change: c.67G>A on transcript NM_004656.4 (MANE Select); coding-DNA position 67, G replaced by A.
Protein change: p.Gly23Ser; replaces glycine 23 with serine.
Molecular consequence: missense variant.
Genome position (GRCh38, 1-based): chr3:52,409,714, C>T on the plus strand (G>A on the coding strand, the complement: BAP1 is on the minus strand). VCF-style: chr3-52409714-C-T. GRCh37 (hg19) VCF-style: chr3-52443730-C-T.
Other names: short protein forms G23S.
Identifiers: ClinVar variation 826632 (VCV000826632.9), dbSNP rs1578230869, ClinGen allele CA353114846.
Genomic context (GRCh38, chr3:52,409,714, plus strand): 5'-AGTGAGGGCGCAGGGGTGGGCCGCCACAGCCCCGGTCCGGCAGGGAGAAAAGGCTCTTAC[C>T]GAAATCTTCCACGAGCAGGGTGAAGAGGCCTGGGTGGGGCGACAAGAGGAGGGGGTGATG-3'
Protein context (NP_004647.1, residues 13-33): GLFTLLVEDF[Gly23Ser]VKGVQVEEIY